The following is an entry in ClinVar:

ClinVar aggregate classification (germline): Benign/Likely benign. Review status: criteria provided, multiple submitters, no conflicts (2 of 4 stars). 5 submissions from 5 submitters: Benign (1); Likely benign (4). Last evaluated 2026-01-22.

Conditions:
Glycine encephalopathy. Also called: Nonketotic hyperglycinemia; Non-ketotic hyperglycinemia. Identifiers: Orphanet 407, MedGen C0751748, MONDO:0011612, HP:0008288.

Allele frequency attached by ClinVar (database versions not stated): TOPMed 0.00124; 1000 Genomes Project 0.00140; ESP Exome Variant Server 0.00108; 1000 Genomes Project 30x 0.00109.
gnomAD v4.1: 316 of 1,613,300 alleles (0.02%); highest among the groups gnomAD compares: African/African-American, 0.4%; no homozygotes.

Submissions (5):

Labcorp Genetics (formerly Invitae), Labcorp
Classification: Benign for Glycine encephalopathy. Last evaluated: 2026-01-22. Review status: criteria provided, single submitter. Criteria: Invitae Variant Classification Sherloc (09022015). Collection method: clinical testing. Allele origin: germline.

CeGaT Center for Human Genetics Tuebingen
Classification: Likely benign. Last evaluated: 2025-01-01. Review status: criteria provided, single submitter. Criteria: CeGaT Center For Human Genetics Tuebingen Variant Classification Criteria Version 2. Collection method: clinical testing. Allele origin: germline. Affected: yes. Observed: 1 variant allele.
Comment: GLDC: BP4, BP7

Blueprint Genetics
Classification: Likely benign. Last evaluated: 2024-07-01. Review status: criteria provided, single submitter. Criteria: ACMG Guidelines, 2015. Collection method: clinical testing. Allele origin: germline.

GeneDx
Classification: Likely benign. Last evaluated: 2021-01-18. Review status: criteria provided, single submitter. Criteria: GeneDx Variant Classification Process June 2021. Collection method: clinical testing. Allele origin: germline. Affected: yes.

Illumina Laboratory Services, Illumina
Classification: Likely benign for Glycine encephalopathy 1. Last evaluated: 2018-01-13. Review status: criteria provided, single submitter. Criteria: ICSL Variant Classification Criteria 13 December 2019. Collection method: clinical testing. Allele origin: germline.
Comment: This variant was observed in the ICSL laboratory as part of a predisposition screen in an ostensibly healthy population. It had not been previously curated by ICSL or reported in the Human Gene Mutation Database (HGMD: prior to June 1st, 2018), and was therefore a candidate for classification through an automated scoring system. Utilizing variant allele frequency, disease prevalence and penetrance estimates, and inheritance mode, an automated score was calculated to assess if this variant is too frequent to cause the disease. Based on the score and internal cut-off values, a variant classified as likely benign is not then subjected to further curation. The score for this variant resulted in a classification of likely benign for this disease.

NM_000170.3(GLDC):c.2490G>T (p.Thr830=)

Gene: GLDC (glycine decarboxylase; minus strand). Cytogenetic location: 9p24.1.
Variant type: single nucleotide variant.
Coding change: c.2490G>T on transcript NM_000170.3 (MANE Select); coding-DNA position 2490, G replaced by T.
Protein change: p.Thr830=; no amino-acid change (threonine 830 retained).
Molecular consequence: synonymous variant.
Genome position (GRCh38, 1-based): chr9:6,550,882, C>A on the plus strand (G>T on the coding strand, the complement: GLDC is on the minus strand). VCF-style: chr9-6550882-C-A. GRCh37 (hg19) VCF-style: chr9-6550882-C-A.
Identifiers: ClinVar variation 462874 (VCV000462874.30), dbSNP rs145407593, ClinGen allele CA4980194.